The following is an entry in ClinVar:

ClinVar aggregate classification (germline): Uncertain significance (1 of 4 stars; one submission).

Conditions:
Early-infantile DEE. Also called: Ohtahara syndrome; Early infantile epileptic encephalopathy; Early infantile epileptic encephalopathy with suppression bursts. Identifiers: Orphanet 1934, MedGen C0393706, MONDO:0800491.

Allele frequency attached by ClinVar (database versions not stated): gnomAD 0.00001; gnomAD exomes 0.00001 and 0.00002; ExAC 0.00002; TOPMed 0.00002.

Submission:

Labcorp Genetics (formerly Invitae), Labcorp
Classification: Uncertain significance for Early-infantile DEE. Last evaluated: 2025-05-19. Review status: criteria provided, single submitter. Criteria: Invitae Variant Classification Sherloc (09022015). Collection method: clinical testing. Allele origin: germline.
Comment: This sequence change replaces alanine, which is neutral and non-polar, with threonine, which is neutral and polar, at codon 657 of the KCNQ2 protein (p.Ala657Thr). This variant is present in population databases (rs780679486, gnomAD 0.01%). This variant has not been reported in the literature in individuals affected with KCNQ2-related conditions. ClinVar contains an entry for this variant (Variation ID: 1026116). Invitae Evidence Modeling of protein sequence and biophysical properties (such as structural, functional, and spatial information, amino acid conservation, physicochemical variation, residue mobility, and thermodynamic stability) indicates that this missense variant is expected to disrupt KCNQ2 protein function with a positive predictive value of 95%. In summary, the available evidence is currently insufficient to determine the role of this variant in disease. Therefore, it has been classified as a Variant of Uncertain Significance.

NM_172107.4(KCNQ2):c.1969G>A (p.Ala657Thr)

Gene: KCNQ2 (potassium voltage-gated channel subfamily Q member 2; minus strand). Cytogenetic location: 20q13.33.
Variant type: single nucleotide variant.
Coding change: c.1969G>A on transcript NM_172107.4 (MANE Select); coding-DNA position 1969, G replaced by A.
Protein change: p.Ala657Thr; replaces alanine 657 with threonine.
Molecular consequence: missense variant.
Genome position (GRCh38, 1-based): chr20:63,407,294, C>T on the plus strand (G>A on the coding strand, the complement: KCNQ2 is on the minus strand). VCF-style: chr20-63407294-C-T. GRCh37 (hg19) VCF-style: chr20-62038647-C-T.
Other names: c.2023G>A, p.Ala675Thr (NM_001382235.1); c.1885G>A, p.Ala629Thr (NM_004518.6); c.1915G>A, p.Ala639Thr (NM_172106.3); c.1876G>A, p.Ala626Thr (NM_172108.5); short protein forms A626T, A629T, A639T, A657T, A675T.
Identifiers: ClinVar variation 1026116 (VCV001026116.7), dbSNP rs780679486, ClinGen allele CA9958184.